The following is an entry in ClinVar:

NM_018136.5(ASPM):c.441+4A>G

Gene: ASPM (assembly factor for spindle microtubules; minus strand). Cytogenetic location: 1q31.3.
Variant type: single nucleotide variant.
Coding change: c.441+4A>G on transcript NM_018136.5 (MANE Select); 4 bases into the intron after coding-DNA position 441, A replaced by G.
Molecular consequence: intron variant.
Genome position (GRCh38, 1-based): chr1:197,143,953, T>C on the plus strand (A>G on the coding strand, the complement: ASPM is on the minus strand). VCF-style: chr1-197143953-T-C. GRCh37 (hg19) VCF-style: chr1-197113083-T-C.
Other names: c.441+4A>G (NM_001206846.2).
Identifiers: ClinVar variation 2063616 (VCV002063616.4), dbSNP rs769910346, ClinGen allele CA1310883.
Genomic context (GRCh38, chr1:197,143,953, plus strand): 5'-AAATAAGTTTTATTTATTATTAAACAATTTCTTAGAGTAAATCACAGAATGGTTAAAACA[T>C]TACCTTTTTCTTTTTCTGCTCTTCTGCATTTCCTAGTAATATAGCTTGGTGTTTCAGAAC-3'

ClinVar aggregate classification (germline): Uncertain significance (1 of 4 stars; one submission).

Allele frequency attached by ClinVar (database versions not stated): gnomAD exomes below 0.00001; ExAC 0.00001; TOPMed 0.00003; gnomAD 0.00004.

Submission:

Labcorp Genetics (formerly Invitae), Labcorp
Classification: Uncertain significance. Last evaluated: 2025-06-12. Review status: criteria provided, single submitter. Criteria: Invitae Variant Classification Sherloc (09022015). Collection method: clinical testing. Allele origin: germline.
Comment: This sequence change falls in intron 2 of the ASPM gene. It does not directly change the encoded amino acid sequence of the ASPM protein. It affects a nucleotide within the consensus splice site. This variant is present in population databases (rs769910346, gnomAD 0.01%). This variant has not been reported in the literature in individuals affected with ASPM-related conditions. ClinVar contains an entry for this variant (Variation ID: 2063616). Variants that disrupt the consensus splice site are a relatively common cause of aberrant splicing (PMID: 17576681, 9536098). Algorithms developed to predict the effect of sequence changes on RNA splicing suggest that this variant is not likely to affect RNA splicing. In summary, the available evidence is currently insufficient to determine the role of this variant in disease. Therefore, it has been classified as a Variant of Uncertain Significance.

Literature cited by the submitters: PubMed 17576681; PubMed 9536098.